The following is an entry in ClinVar:

ClinVar aggregate classification (germline): Benign (1 of 4 stars; one submission).

Allele frequency attached by ClinVar (database versions not stated): gnomAD 0.34913; TOPMed 0.36236; 1000 Genomes Project 0.36442; 1000 Genomes Project 30x 0.37274.
gnomAD v4.1: 252,755 of 908,368 alleles (28%); highest among the groups gnomAD compares: African/African-American, 58%; 38,936 homozygotes.

Submission:

Unidad de Genómica Garrahan, Hospital de Pediatría Garrahan
Classification: Benign. Last evaluated: 2023-11-12. Review status: criteria provided, single submitter. Criteria: ACMG Guidelines, 2015. Collection method: clinical testing. Allele origin: germline. Affected: no. Observed: 43 variant alleles.
Comment: This variant is classified as Benign based on local population frequency. This variant was detected in 45% of patients studied by a panel of primary immunodeficiencies. Number of patients: 43. Only high quality variants are reported.

NM_002227.4(JAK1):c.1649-82C>T

Gene: JAK1 (Janus kinase 1; minus strand). Cytogenetic location: 1p31.3.
Variant type: single nucleotide variant.
Coding change: c.1649-82C>T on transcript NM_002227.4 (MANE Select); 82 bases into the intron before coding-DNA position 1649, C replaced by T.
Molecular consequence: intron variant.
Genome position (GRCh38, 1-based): chr1:64,850,992, G>A on the plus strand (C>T on the coding strand, the complement: JAK1 is on the minus strand). VCF-style: chr1-64850992-G-A. GRCh37 (hg19) VCF-style: chr1-65316675-G-A.
Other names: c.1649-82C>T (NM_001321852.2, NM_001321854.2, NM_001321853.2 and 3 more transcripts); c.1646-82C>T (NM_001321857.2).
Identifiers: ClinVar variation 2628196 (VCV002628196.2), dbSNP rs310216, ClinGen allele CA10674912.
Genomic context (GRCh38, chr1:64,850,992, plus strand): 5'-TCTGAGCACAGCACCCAAGATCCGAGCTCTCAGACAGCCAACGTCTGCTGAGCCGGGGCC[G>A]TGGGACCGGTGTGCGGGCGCTTGCTGCTTCAGTCATTCGACAAGTGCTTATTCAATAGGC-3'